The following is an entry in ClinVar:

ClinVar aggregate classification (germline): Uncertain significance. Review status: criteria provided, multiple submitters, no conflicts (2 of 4 stars). 3 submissions from 3 submitters: Uncertain significance (3). Last evaluated 2026-06-24.

Conditions:
Inborn genetic diseases. Identifiers: MedGen C0950123, MeSH D030342.
Epidermolysis bullosa simplex, Ogna type (EBS5A). Also called: Pidermolysis bullosa simplex 5A, Ogna type; EPIDERMOLYSIS BULLOSA SIMPLEX 5A, OGNA TYPE. Identifiers: Orphanet 79401, MedGen C0432317, MONDO:0007555, OMIM 131950.
Epidermolysis bullosa simplex with nail dystrophy (EBS5D). Identifiers: MedGen C4225309, MONDO:0014661, OMIM 616487.
Epidermolysis bullosa simplex 5B, with muscular dystrophy (EBS5B). Also called: Epidermolysis bullosa simplex with muscular dystrophy; EPIDERMOLYSIS BULLOSA SIMPLEX AND LIMB-GIRDLE MUSCULAR DYSTROPHY. Identifiers: Orphanet 257, MedGen C2931072, MONDO:0009181, OMIM 226670.
Epidermolysis bullosa simplex 5C, with pyloric atresia (EBS5C). Also called: PLEC1-Related Epidermolysis Bullosa with Pyloric Atresia; PLEC-Related Epidermolysis Bullosa with Pyloric Atresia; Epidermolysis bullosa simplex with pyloric atresia. Identifiers: Orphanet 158684, MedGen C2677349, MONDO:0012807, OMIM 612138.
Autosomal recessive limb-girdle muscular dystrophy type 2Q (LGMDR17). Also called: MUSCULAR DYSTROPHY, LIMB-GIRDLE, AUTOSOMAL RECESSIVE 17. Identifiers: Orphanet 254361, MedGen C3150989, MONDO:0013390, OMIM 613723.

Allele frequency attached by ClinVar (database versions not stated): gnomAD exomes below 0.00001; TOPMed below 0.00001; gnomAD 0.00001.
gnomAD v4.1: 3 of 1,612,658 alleles (0.00019%); highest among the groups gnomAD compares: Non-Finnish European, 0.00025%; no homozygotes.

Submissions (3):

Ambry Genetics
Classification: Uncertain significance for Inborn genetic diseases. Last evaluated: 2026-06-24. Review status: criteria provided, single submitter. Criteria: Ambry Variant Classification Scheme 2023. Collection method: clinical testing. Allele origin: germline.

Labcorp Genetics (formerly Invitae), Labcorp
Classification: Uncertain significance for Autosomal recessive limb-girdle muscular dystrophy type 2Q; Epidermolysis bullosa simplex, Ogna type; Epidermolysis bullosa simplex with nail dystrophy; Epidermolysis bullosa simplex 5C, with pyloric atresia; Epidermolysis bullosa simplex 5B, with muscular dystrophy. Last evaluated: 2023-10-14. Review status: criteria provided, single submitter. Criteria: Invitae Variant Classification Sherloc (09022015). Collection method: clinical testing. Allele origin: germline.
Comment: This sequence change replaces valine, which is neutral and non-polar, with leucine, which is neutral and non-polar, at codon 142 of the PLEC protein (p.Val142Leu). This variant is present in population databases (no rsID available, gnomAD 0.007%). This variant has not been reported in the literature in individuals affected with PLEC-related conditions. ClinVar contains an entry for this variant (Variation ID: 497953). Experimental studies and prediction algorithms are not available or were not evaluated, and the functional significance of this variant is currently unknown. In summary, the available evidence is currently insufficient to determine the role of this variant in disease. Therefore, it has been classified as a Variant of Uncertain Significance.

Eurofins Ntd Llc (ga)
Classification: Uncertain significance. Last evaluated: 2016-11-16. Review status: criteria provided, single submitter. Criteria: EGL Classification Definitions 2015. Collection method: clinical testing. Allele origin: germline. Observed: 1 variant allele, 1 heterozygote.

NM_201384.3(PLEC):c.343G>C (p.Val115Leu)

Gene: PLEC (plectin; minus strand). Cytogenetic location: 8q24.3.
Variant type: single nucleotide variant.
Coding change: c.343G>C on transcript NM_201384.3 (MANE Select); coding-DNA position 343, G replaced by C.
Protein change: p.Val115Leu; replaces valine 115 with leucine.
Molecular consequence: missense variant.
Genome position (GRCh38, 1-based): chr8:143,937,071, C>G on the plus strand (G>C on the coding strand, the complement: PLEC is on the minus strand). VCF-style: chr8-143937071-C-G. GRCh37 (hg19) VCF-style: chr8-145011239-C-G.
Other names: c.424G>C, p.Val142Leu (NM_000445.5); c.301G>C, p.Val101Leu (NM_201378.4); c.277G>C, p.Val93Leu (NM_201379.3); c.754G>C, p.Val252Leu (NM_201380.4); c.247G>C, p.Val83Leu (NM_201381.3); c.343G>C, p.Val115Leu (NM_201382.4); c.355G>C, p.Val119Leu (NM_201383.3); c.424G>C (NM_000445.3); short protein forms V101L, V115L, V119L, V142L, V252L, V83L, V93L.
Identifiers: ClinVar variation 497953 (VCV000497953.13), dbSNP rs1175276086, ClinGen allele CA372590951.